The following is an entry in ClinVar:

ClinVar aggregate classification (germline): Benign/Likely benign. Review status: criteria provided, multiple submitters, no conflicts (2 of 4 stars). 5 submissions from 5 submitters: Benign (2); Likely benign (2). 1 of the submissions does not count toward it. Last evaluated 2026-04-01.

Conditions:
Kufor-Rakeb syndrome (KRS). Also called: PARKINSON DISEASE 9, AUTOSOMAL RECESSIVE, JUVENILE-ONSET. Identifiers: Orphanet 306674, Orphanet 314632, MedGen C1847640, MONDO:0011706, OMIM 606693.
ATP13A2-related disorder. Also called: ATP13A2-related condition; ATP13A2-related disorders.

Allele frequency attached by ClinVar (database versions not stated): gnomAD exomes 0.00054 and 0.00143; gnomAD 0.00384 and 0.00409; TOPMed 0.00436; 1000 Genomes Project 0.00519; ExAC 0.00520; 1000 Genomes Project 30x 0.00562.

Submissions (5):

CeGaT Center for Human Genetics Tuebingen
Classification: Likely benign. Last evaluated: 2026-04-01. Review status: criteria provided, single submitter. Criteria: CeGaT Center For Human Genetics Tuebingen Variant Classification Criteria Version 2. Collection method: clinical testing. Allele origin: germline. Affected: yes. Observed: 3 variant alleles.
Comment: ATP13A2: BP4, BS1

Blueprint Genetics
Classification: Likely benign. Last evaluated: 2024-11-13. Review status: criteria provided, single submitter. Criteria: ACMG Guidelines, 2015. Collection method: clinical testing. Allele origin: germline.

Illumina Laboratory Services, Illumina
Classification: Benign for Kufor-Rakeb syndrome. Last evaluated: 2017-07-18. Review status: criteria provided, single submitter. Criteria: ICSL Variant Classification Criteria 13 December 2019. Collection method: clinical testing. Allele origin: germline.
Comment: This variant was observed as part of a predisposition screen in an ostensibly healthy population. A literature search was performed for the gene, cDNA change, and amino acid change (where applicable). Publications were found based on this search. The evidence from the literature, in combination with allele frequency data from public databases where available, was sufficient to rule this variant out of causing disease. Therefore, this variant is classified as benign.

Breakthrough Genomics
Classification: Benign. Review status: criteria provided, single submitter. Criteria: ACMG Guidelines, 2015. Collection method: not provided. Allele origin: germline. Inheritance: Autosomal recessive inheritance. Affected: yes.

PreventionGenetics, part of Exact Sciences
Classification: Likely benign for ATP13A2-related condition. Last evaluated: 2024-08-23. Review status: no assertion criteria provided. Collection method: clinical testing. Allele origin: germline. Not counted in ClinVar's aggregate classification.
Comment: This variant is classified as likely benign based on ACMG/AMP sequence variant interpretation guidelines (Richards et al. 2015 PMID: 25741868, with internal and published modifications).

Literature cited by the submitters: PubMed 22743658 (cited by Illumina Laboratory Services, Illumina).

NM_022089.4(ATP13A2):c.*231G>A

Gene: ATP13A2 (ATPase cation transporting 13A2; minus strand). Cytogenetic location: 1p36.13.
Variant type: single nucleotide variant.
Coding change: c.*231G>A on transcript NM_022089.4 (MANE Select); 231 bases downstream of the stop codon, G replaced by A.
Molecular consequence: 3 prime UTR variant. On other transcripts: missense variant (1).
Genome position (GRCh38, 1-based): chr1:16,985,990, C>T on the plus strand (G>A on the coding strand, the complement: ATP13A2 is on the minus strand). VCF-style: chr1-16985990-C-T. GRCh37 (hg19) VCF-style: chr1-17312485-C-T.
Other names: c.*231G>A (NM_001141973.3); c.3472G>A, p.Val1158Met (NM_001141974.3); c.3472G>A (NM_001141974.2); short protein forms V1158M.
Identifiers: ClinVar variation 876291 (VCV000876291.26), dbSNP rs76298930, ClinGen allele CA636407.